The following is an entry in ClinVar:

NC_000009.11:g.(?_34645662)_(34651235_?)del

Gene: GALT (galactose-1-phosphate uridylyltransferase; plus strand). Cytogenetic location: 9p13.3.
Variant type: Deletion.
Identifiers: ClinVar variation 3245104 (VCV003245104.1).

ClinVar aggregate classification (germline): Pathogenic (1 of 4 stars; one submission).

Conditions:
Deficiency of UDPglucose-hexose-1-phosphate uridylyltransferase. Also called: GALACTOSE-1-PHOSPHATE URIDYLYLTRANSFERASE DEFICIENCY; GALACTOSEMIA I; GALT deficiency; Galactosemia, classic; Transferase Deficiency Galactosemia. Identifiers: Orphanet 352, Orphanet 79239, MedGen C0268151, MONDO:0009258, OMIM 230400.

Submission:

Labcorp Genetics (formerly Invitae), Labcorp
Classification: Pathogenic for Deficiency of UDPglucose-hexose-1-phosphate uridylyltransferase. Last evaluated: 2020-09-15. Review status: criteria provided, single submitter. Criteria: Invitae Variant Classification Sherloc (09022015). Collection method: clinical testing. Allele origin: unknown.
Comment: This variant is a gross deletion of the genomic region encompassing the majority of exons 1-11 of the GALT gene, although a small portion of exon 8 is retained. It is expected to result in an absent or disrupted protein product. This particular deletion has been reported in individuals affected with galactosemia (PMID: 17079880), and other deletions of the entire GALT sequence have also been reported in affected individuals (PMID: 15841485, 11286505). Loss-of-function variants in GALT are known to be pathogenic (PMID: 22944367). For these reasons, this variant has been classified as Pathogenic.

Literature cited by the submitters: PubMed 17079880; PubMed 15841485; PubMed 11286505; PubMed 22944367.